The following is an entry in ClinVar:

NM_001267550.2(TTN):c.93702C>G (p.Thr31234=)

Genes: TTN (titin; minus strand), TTN-AS1 (TTN antisense RNA 1; plus strand). Cytogenetic location: 2q31.2.
Variant type: single nucleotide variant.
Coding change: c.93702C>G on transcript NM_001267550.2 (MANE Select); coding-DNA position 93702, C replaced by G.
Protein change: p.Thr31234=; no amino-acid change (threonine 31234 retained).
Molecular consequence: synonymous variant.
Genome position (GRCh38, 1-based): chr2:178,547,924, G>C on the plus strand (C>G on the coding strand, the complement: TTN is on the minus strand). VCF-style: chr2-178547924-G-C. GRCh37 (hg19) VCF-style: chr2-179412651-G-C.
Other names: c.88779C>G, p.Thr29593= (NM_001256850.1); c.66507C>G, p.Thr22169= (NM_003319.4); c.85998C>G, p.Thr28666= (NM_133378.4); c.66882C>G, p.Thr22294= (NM_133432.3); c.67083C>G, p.Thr22361= (NM_133437.4).
Identifiers: ClinVar variation 2578878 (VCV002578878.26), dbSNP rs374976660, ClinGen allele CA430243171.

ClinVar aggregate classification (germline): Likely benign. Review status: criteria provided, multiple submitters, no conflicts (2 of 4 stars). 2 submissions from 2 submitters: Likely benign (2). Last evaluated 2025-02-09.

Conditions:
Autosomal recessive limb-girdle muscular dystrophy type 2J (LGMDR10). Also called: Limb-girdle muscular dystrophy, type 2J; MUSCULAR DYSTROPHY, LIMB-GIRDLE, AUTOSOMAL RECESSIVE 10. Identifiers: Orphanet 140922, MedGen C1837342, MONDO:0012127, OMIM 608807.
Dilated cardiomyopathy 1G (CMD1G). Identifiers: Orphanet 154, MedGen C1858763, MONDO:0011400, OMIM 604145.

Allele frequency attached by ClinVar (database versions not stated): gnomAD 0.00003.

Submissions (2):

Labcorp Genetics (formerly Invitae), Labcorp
Classification: Likely benign for Dilated cardiomyopathy 1G; Autosomal recessive limb-girdle muscular dystrophy type 2J. Last evaluated: 2025-02-09. Review status: criteria provided, single submitter. Criteria: Invitae Variant Classification Sherloc (09022015). Collection method: clinical testing. Allele origin: germline.

CeGaT Center for Human Genetics Tuebingen
Classification: Likely benign. Last evaluated: 2023-08-01. Review status: criteria provided, single submitter. Criteria: CeGaT Center For Human Genetics Tuebingen Variant Classification Criteria Version 2. Collection method: clinical testing. Allele origin: germline. Affected: yes. Observed: 2 variant alleles.
Comment: TTN: BP4